The following is an entry in ClinVar:

NM_001374736.1(DST):c.5574T>C (p.Ala1858=)

Gene: DST (dystonin; minus strand). Cytogenetic location: 6p12.1.
Variant type: single nucleotide variant.
Coding change: c.5574T>C on transcript NM_001374736.1 (MANE Select); coding-DNA position 5574, T replaced by C.
Protein change: p.Ala1858=; no amino-acid change (alanine 1858 retained).
Molecular consequence: synonymous variant. On other transcripts: intron variant (6).
Genome position (GRCh38, 1-based): chr6:56,609,054, A>G on the plus strand (T>C on the coding strand, the complement: DST is on the minus strand). VCF-style: chr6-56609054-A-G. GRCh37 (hg19) VCF-style: chr6-56473852-A-G.
Other names: c.5574T>C, p.Ala1858= (NM_001374722.1); c.4941T>C, p.Ala1647= (NM_001374729.1); c.5601T>C, p.Ala1867= (NM_001374734.1); c.5184+1373T>C (NM_001144769.5); c.4770+1373T>C (NM_001144770.2); c.4650+1373T>C (NM_001374730.1, NM_001386100.1, NM_183380.4); c.3672+1373T>C (NM_015548.5).
Identifiers: ClinVar variation 2656672 (VCV002656672.24), dbSNP rs762342015, ClinGen allele CA3869695.
Genomic context (GRCh38, chr6:56,609,054, plus strand): 5'-AGAAAGCAGTATCTCAAGAACTTTGATGGCCATGGATTCTGTTATCATGCTTTGAGCTAG[A>G]GCATCCAGTACTGGAATTGTGGTAGGTGACGCAGCAGAAATAATCTCCTTAGCTTTACTT-3'
Protein context (NP_001361665.1, residues 1848-1868): ASPTTIPVLD[Ala1858=]LAQSMITESM

ClinVar aggregate classification (germline): Likely benign (1 of 4 stars; one submission).

Allele frequency attached by ClinVar (database versions not stated): ExAC 0.00002; gnomAD 0.00003; gnomAD exomes 0.00003; TOPMed 0.00003.
gnomAD v4.1: 53 of 1,613,762 alleles (0.0033%); highest among the groups gnomAD compares: Admixed American, 0.005%; no homozygotes.

Submission:

CeGaT Center for Human Genetics Tuebingen
Classification: Likely benign. Last evaluated: 2023-10-01. Review status: criteria provided, single submitter. Criteria: CeGaT Center For Human Genetics Tuebingen Variant Classification Criteria Version 2. Collection method: clinical testing. Allele origin: germline. Affected: yes. Observed: 1 variant allele.
Comment: DST: BP4, BP7